The following is an entry in ClinVar:

NM_015981.4(CAMK2A):c.1237+3G>A

Gene: CAMK2A (calcium/calmodulin dependent protein kinase II alpha; minus strand). Cytogenetic location: 5q32.
Variant type: single nucleotide variant.
Coding change: c.1237+3G>A on transcript NM_015981.4 (MANE Select); 3 bases into the intron after coding-DNA position 1237, G replaced by A.
Molecular consequence: intron variant.
Genome position (GRCh38, 1-based): chr5:150,228,189, C>T on the plus strand (G>A on the coding strand, the complement: CAMK2A is on the minus strand). VCF-style: chr5-150228189-C-T. GRCh37 (hg19) VCF-style: chr5-149607752-C-T.
Other names: c.1204+3G>A (NM_001363990.1, NM_171825.3, NM_001369025.2); c.1237+3G>A (NM_001363989.1).
Identifiers: ClinVar variation 3370589 (VCV003370589.1).

ClinVar aggregate classification (germline): Uncertain significance (1 of 4 stars; one submission).

Submission:

GeneDx
Classification: Uncertain significance. Last evaluated: 2024-03-06. Review status: criteria provided, single submitter. Criteria: GeneDx Variant Classification Process June 2021. Collection method: clinical testing. Allele origin: germline. Affected: yes.
Comment: Not observed at significant frequency in large population cohorts (gnomAD); In silico analysis supports that this variant does not alter splicing; Has not been previously published as pathogenic or benign to our knowledge